The following is an entry in ClinVar:

NM_032043.3(BRIP1):c.1560T>C (p.Ser520=)

Gene: BRIP1 (BRCA1 interacting DNA helicase 1; minus strand). Cytogenetic location: 17q23.2.
Variant type: single nucleotide variant.
Coding change: c.1560T>C on transcript NM_032043.3 (MANE Select); coding-DNA position 1560, T replaced by C.
Protein change: p.Ser520=; no amino-acid change (serine 520 retained).
Molecular consequence: synonymous variant.
Genome position (GRCh38, 1-based): chr17:61,784,338, A>G on the plus strand (T>C on the coding strand, the complement: BRIP1 is on the minus strand). VCF-style: chr17-61784338-A-G. GRCh37 (hg19) VCF-style: chr17-59861699-A-G.
Identifiers: ClinVar variation 3378588 (VCV003378588.1).

ClinVar aggregate classification (germline): Benign (1 of 4 stars; one submission).

Conditions:
Familial cancer of breast. Also called: hereditary breast carcinoma; Hereditary breast cancer; BREAST CANCER, FAMILIAL. Identifiers: Orphanet 227535, MedGen C0346153, MONDO:0016419, OMIM 114480. Disease mechanism: loss of function.

Submission:

Myriad Genetics, Inc.
Classification: Benign for Familial cancer of breast. Last evaluated: 2024-08-28. Review status: criteria provided, single submitter. Criteria: Myriad Autosomal Dominant, Autosomal Recessive and X-Linked Classification Criteria (2023). Collection method: clinical testing. Allele origin: unknown.
Comment: This variant is considered benign. This variant is a silent/synonymous amino acid change and it is not expected to impact splicing.